The following is an entry in ClinVar:

NM_000059.4(BRCA2):c.2357C>G (p.Ser786Cys)

Gene: BRCA2 (BRCA2 DNA repair associated; plus strand). Cytogenetic location: 13q13.1.
Variant type: single nucleotide variant.
Coding change: c.2357C>G on transcript NM_000059.4 (MANE Select); coding-DNA position 2357, C replaced by G.
Protein change: p.Ser786Cys; replaces serine 786 with cysteine.
Molecular consequence: missense variant.
Genome position (GRCh38, 1-based): chr13:32,336,712, C>G. VCF-style: chr13-32336712-C-G. GRCh37 (hg19) VCF-style: chr13-32910849-C-G.
Other names: short protein forms S786C.
Identifiers: ClinVar variation 51272 (VCV000051272.19), dbSNP rs80358501, ClinGen allele CA015031.

ClinVar aggregate classification (germline): Conflicting classifications of pathogenicity. Review status: criteria provided, conflicting classifications (1 of 4 stars). 6 submissions from 6 submitters: Uncertain significance (3); Likely benign (1). 2 of the submissions do not count toward it. Last evaluated 2024-01-29.

Conditions:
Hereditary breast ovarian cancer syndrome. Also called: Hereditary breast and ovarian cancer syndrome; Hereditary breast and ovarian cancer; Hereditary breast and ovarian cancer syndrome (HBOC); Breast and ovarian cancer; Hereditary breast and/or ovarian cancer syndrome; BRCA1- and BRCA2-Associated Hereditary Breast and Ovarian Cancer. Identifiers: Orphanet 145, MedGen C0677776, MeSH D061325, MONDO:0003582. Disease mechanism: loss of function.
Hereditary cancer-predisposing syndrome. Also called: Neoplastic Syndromes, Hereditary; Tumor predisposition; Hereditary Cancer Syndrome; Hereditary neoplastic syndrome. Identifiers: Orphanet 140162, MedGen C0027672, MeSH D009386, MONDO:0015356.
Breast-ovarian cancer, familial, susceptibility to, 2 (BROVCA2). Also called: BRCA2 Hereditary Breast and Ovarian Cancer. Identifiers: Orphanet 145, MedGen C2675520, MONDO:0012933, OMIM 612555. Disease mechanism: loss of function.
Malignant tumor of breast. Also called: Malignant breast neoplasm; Cancer breast. Identifiers: MedGen C0006142, MONDO:0007254. Disease mechanism: loss of function.

Allele frequency attached by ClinVar (database versions not stated): gnomAD exomes below 0.00001.
gnomAD v4.1: 1 of 1,613,966 alleles (0.000062%); highest among the groups gnomAD compares: South Asian, 0.0011%; no homozygotes.

Submissions (6):

Ambry Genetics
Classification: Uncertain significance for Hereditary cancer-predisposing syndrome. Last evaluated: 2024-01-29. Review status: criteria provided, single submitter. Criteria: Ambry Variant Classification Scheme 2023. Collection method: clinical testing. Allele origin: germline.
Comment: The p.S786C variant (also known as c.2357C>G), located in coding exon 10 of the BRCA2 gene, results from a C to G substitution at nucleotide position 2357. The serine at codon 786 is replaced by cysteine, an amino acid with dissimilar properties. This amino acid position is conserved. In addition, this alteration is predicted to be tolerated by in silico analysis. Based on the available evidence, the clinical significance of this alteration remains unclear.

University of Washington Department of Laboratory Medicine, University of Washington
Classification: Likely benign for Hereditary cancer-predisposing syndrome. Last evaluated: 2023-03-23. Review status: criteria provided, single submitter. Criteria: Dines et al. (Genet Med. 2020). Collection method: curation. Allele origin: germline.
Comment: Missense variant in a coldspot region where missense variants are very unlikely to be pathogenic (PMID:31911673).

BRCA2 exon 11 coldspot. Reclassification based on statistical prior probability.

Color Diagnostics, LLC DBA Color Health
Classification: Uncertain significance for Hereditary cancer-predisposing syndrome. Last evaluated: 2019-05-23. Review status: criteria provided, single submitter. Criteria: ACMG Guidelines, 2015. Collection method: clinical testing. Allele origin: germline.

Labcorp Genetics (formerly Invitae), Labcorp
Classification: Uncertain significance for Hereditary breast ovarian cancer syndrome. Last evaluated: 2019-04-14. Review status: criteria provided, single submitter. Criteria: Invitae Variant Classification Sherloc (09022015). Collection method: clinical testing. Allele origin: germline.
Comment: This sequence change replaces serine with cysteine at codon 786 of the BRCA2 protein (p.Ser786Cys). The serine residue is weakly conserved and there is a moderate physicochemical difference between serine and cysteine. This variant is not present in population databases (ExAC no frequency). This variant has been reported in individuals in the Breast Cancer Information Core database (PMID: 10923033). ClinVar contains an entry for this variant (Variation ID: 51272). Algorithms developed to predict the effect of missense changes on protein structure and function (SIFT, PolyPhen-2, Align-GVGD) all suggest that this variant is likely to be tolerated, but these predictions have not been confirmed by published functional studies and their clinical significance is uncertain. In summary, the available evidence is currently insufficient to determine the role of this variant in disease. Therefore, it has been classified as a Variant of Uncertain Significance.

Breast Cancer Information Core (BIC) (BRCA2)
Classification: Uncertain significance for Breast-ovarian cancer, familial 2. Last evaluated: 2001-10-29. Review status: no assertion criteria provided. Collection method: clinical testing. Allele origin: germline. Affected: yes. Observed: 1 variant allele. Not counted in ClinVar's aggregate classification.

Department of Pathology and Laboratory Medicine, Sinai Health System
Classification: Uncertain significance for Malignant tumor of breast. Review status: no assertion criteria provided. Collection method: clinical testing. Allele origin: unknown. Affected: yes. Study: The Canadian Open Genetics Repository (COGR). Not counted in ClinVar's aggregate classification.
Comment: The BRCA2, p.Ser786Cys variant was not identified in the literature, nor was it identified in the NHLBI Exome Sequencing Project (Exome Variant Server), Exome Aggregation Consortium (ExAC), LOVD, COSMIC, Clinvitae, ARUP Laboratories BRCA Mutation, MutDB, GeneInsight COGR, or BRCA Share UMD Databases. The variant was identified in dbSNP (ID: rs80358501 â€šÃ„ÃºWith Uncertain significance allele.â€šÃ„Ã¹ The variant was also identified in Clinvar database and classified as a variant of uncertain significance by BIC and no classification was provided by Invitae; in BIC database the variant was identified 1X with unknown clinical importance. The p.Ser786 residue is not conserved in mammals and computational analyses (PolyPhen-2, SIFT, AlignGVGD, BLOSUM, MutationTaster) provide inconsistent predictions regarding the impact to the protein; this information is not very predictive of pathogenicity. In summary, based on the above information, the clinical significance of this variant cannot be determined with certainty at this time. This variant is classified as a variant of uncertain significance.

Literature cited by the submitters: PubMed 10923033 (cited by Labcorp Genetics (formerly Invitae), Labcorp).